The following is an entry in ClinVar:

ClinVar aggregate classification (germline): Pathogenic/Likely pathogenic. Review status: criteria provided, multiple submitters, no conflicts (2 of 4 stars). 4 submissions from 4 submitters: Pathogenic (3); Likely pathogenic (1). Last evaluated 2025-11-15.

Conditions:
RP1-related disorder. Also called: RP1-related condition.
Retinitis pigmentosa 1 (RP1). Identifiers: Orphanet 791, MedGen C0220701, MONDO:0008377, OMIM 180100.

Submissions (4):

Labcorp Genetics (formerly Invitae), Labcorp
Classification: Pathogenic. Last evaluated: 2025-11-15. Review status: criteria provided, single submitter. Criteria: Invitae Variant Classification Sherloc (09022015). Collection method: clinical testing. Allele origin: germline.
Comment: This sequence change creates a premature translational stop signal (p.Tyr1673Metfs*37) in the RP1 gene. While this is not anticipated to result in nonsense mediated decay, it is expected to disrupt the last 484 amino acid(s) of the RP1 protein. This variant is present in population databases (rs753090404, gnomAD 0.01%). This premature translational stop signal has been observed in individuals with clinical features of autosomal recessive Leber congenital amaurosis (PMID: 32565670; internal data). ClinVar contains an entry for this variant (Variation ID: 498306). This variant disrupts the C-terminus of the RP1 protein. Many variants that disrupt this region have been reported in individuals with either autosomal dominant or autosomal recessive retinitis pigmentosa (PMID: 11527933, 19933189, 29425069, 30027431, 33681214). Therefore, variants that disrupt this region are expected to be disease-causing. For these reasons, this variant has been classified as Pathogenic.

Blueprint Genetics
Classification: Likely pathogenic for RP1-related disorders. Last evaluated: 2022-10-18. Review status: criteria provided, single submitter. Criteria: ACMG Guidelines, 2015. Collection method: clinical testing. Allele origin: germline. Affected: yes. Observed: 4 variant alleles.

Ocular Genomics Institute, Massachusetts Eye and Ear
Classification: Pathogenic for Retinitis pigmentosa 1. Last evaluated: 2021-04-08. Review status: criteria provided, single submitter. Criteria: ACMG Guidelines, 2015. Collection method: research. Allele origin: germline. Affected: yes.
Comment: Through a review of available evidence we were able to apply the following criteria: PVS1, PM2, PM1. Based on this evidence we have classified this variant as Pathogenic.

Eurofins Ntd Llc (ga)
Classification: Pathogenic. Last evaluated: 2016-11-21. Review status: criteria provided, single submitter. Criteria: EGL Classification Definitions 2015. Collection method: clinical testing. Allele origin: germline. Observed: 3 variant alleles, 2 heterozygotes, 1 homozygote.

Literature cited by the submitters: PubMed 32565670 (cited by Labcorp Genetics (formerly Invitae), Labcorp); PubMed 11527933 (cited by Labcorp Genetics (formerly Invitae), Labcorp and Ocular Genomics Institute, Massachusetts Eye and Ear); PubMed 19933189 (cited by Labcorp Genetics (formerly Invitae), Labcorp and Ocular Genomics Institute, Massachusetts Eye and Ear); PubMed 29425069 (cited by Labcorp Genetics (formerly Invitae), Labcorp); PubMed 30027431 (cited by Labcorp Genetics (formerly Invitae), Labcorp); PubMed 33681214 (cited by Labcorp Genetics (formerly Invitae), Labcorp).

NM_006269.2(RP1):c.5017del (p.Tyr1673fs)

Genes: RP1 (RP1 axonemal microtubule associated; plus strand), LOC126860392 (CDK7 strongly-dependent group 2 enhancer GRCh37_chr8:55541319-55542518; plus strand). Cytogenetic location: 8q12.1.
Variant type: Deletion.
Coding change: c.5017del on transcript NM_006269.2 (MANE Select); coding-DNA position 5017, one base deleted (T; older notation c.5017delT).
Protein change: p.Tyr1673fs; shifts the reading frame from tyrosine 1673.
Molecular consequence: frameshift variant.
Genome position (GRCh38, 1-based): chr8:54,628,899, T deleted; the last of 3 consecutive T bases (chr8:54,628,897-54,628,899); deleting any one gives the same sequence. VCF-style (leftmost placement, unchanged base first): chr8-54628896-CT-C. GRCh37 (hg19) VCF-style: chr8-55541456-CT-C.
Other names: short protein forms Y1673fs.
Identifiers: ClinVar variation 498306 (VCV000498306.17), dbSNP rs753090404, ClinGen allele CA4751987.